The following is an entry in ClinVar:

NM_015272.5(RPGRIP1L):c.3355C>T (p.Arg1119Cys)

Gene: RPGRIP1L (RPGRIP1 like; minus strand). Cytogenetic location: 16q12.2.
Variant type: single nucleotide variant.
Coding change: c.3355C>T on transcript NM_015272.5 (MANE Select); coding-DNA position 3355, C replaced by T.
Protein change: p.Arg1119Cys; replaces arginine 1119 with cysteine.
Molecular consequence: missense variant. On other transcripts: intron variant (2).
Genome position (GRCh38, 1-based): chr16:53,622,296, G>A on the plus strand (C>T on the coding strand, the complement: RPGRIP1L is on the minus strand). VCF-style: chr16-53622296-G-A. GRCh37 (hg19) VCF-style: chr16-53656208-G-A.
Other names: c.3253C>T, p.Arg1085Cys (NM_001330538.2); c.3193-3088C>T (NM_001127897.4); c.3295-3088C>T (NM_001308334.3); c.3355C>T (NM_015272.4); short protein forms R1085C, R1119C.
Identifiers: ClinVar variation 1326452 (VCV001326452.9), dbSNP rs1030543863, ClinGen allele CA281358329.

ClinVar aggregate classification (germline): Uncertain significance. Review status: criteria provided, multiple submitters, no conflicts (2 of 4 stars). 4 submissions from 4 submitters: Uncertain significance (4). Last evaluated 2026-07-24.

Conditions:
Joubert syndrome 7 (JBTS7). Identifiers: Orphanet 220497, MedGen C1969053, MONDO:0012694, OMIM 611560.
COACH syndrome 3. Identifiers: MedGen C5436841, MONDO:0030862, OMIM 619113.
Meckel syndrome, type 5 (MKS5). Identifiers: Orphanet 564, MedGen C1969052, MONDO:0012695, OMIM 611561.
RPGRIP1L-related disorder. Also called: RPGRIP1L-related condition; RPGRIP1L-related disorders. Identifiers: MedGen CN239416.
Meckel-Gruber syndrome. Also called: DYSENCEPHALIA SPLANCHNOCYSTICA; GRUBER SYNDROME; Dysencephalia splachnocystica. Identifiers: Orphanet 564, MedGen C0265215, MONDO:0018921.
Joubert syndrome. Also called: JOUBERT-BOLTSHAUSER SYNDROME; Familial aplasia of the vermis. Identifiers: Orphanet 475, MedGen C5979921, MONDO:0018772.

Allele frequency attached by ClinVar (database versions not stated): gnomAD 0.00003 and 0.00006; gnomAD exomes 0.00004 and 0.00005; TOPMed 0.00006.
gnomAD v4.1: 36 of 654,930 alleles (0.0055%); highest among the groups gnomAD compares: Middle Eastern, 0.15%; no homozygotes.

Submissions (4):

PreventionGenetics, part of Exact Sciences
Classification: Uncertain significance for RPGRIP1L-related condition. Last evaluated: 2026-07-24. Review status: criteria provided, single submitter. Criteria: ACMG Guidelines, 2015. Collection method: clinical testing. Allele origin: germline.
Comment: The RPGRIP1L c.3355C>T variant is predicted to result in the amino acid substitution p.Arg1119Cys. To our knowledge, this variant has not been reported in the literature. This variant is reported in 0.0090% of alleles in individuals of European (Non-Finnish) descent in gnomAD. At this time, the clinical significance of this variant is uncertain due to the absence of conclusive functional and genetic evidence.

Fulgent Genetics
Classification: Uncertain significance for Joubert syndrome 7; Meckel syndrome, type 5; COACH syndrome 3. Last evaluated: 2024-05-10. Review status: criteria provided, single submitter. Criteria: ACMG Guidelines, 2015. Collection method: clinical testing. Allele origin: germline.

GeneDx
Classification: Uncertain significance. Last evaluated: 2022-09-09. Review status: criteria provided, single submitter. Criteria: GeneDx Variant Classification Process June 2021. Collection method: clinical testing. Allele origin: germline. Affected: yes.
Comment: Not observed at significant frequency in large population cohorts (gnomAD); In silico analysis supports that this missense variant does not alter protein structure/function; Has not been previously published as pathogenic or benign to our knowledge

Labcorp Genetics (formerly Invitae), Labcorp
Classification: Uncertain significance for Joubert syndrome; Meckel-Gruber syndrome. Last evaluated: 2022-09-06. Review status: criteria provided, single submitter. Criteria: Invitae Variant Classification Sherloc (09022015). Collection method: clinical testing. Allele origin: germline.
Comment: This sequence change replaces arginine, which is basic and polar, with cysteine, which is neutral and slightly polar, at codon 1119 of the RPGRIP1L protein (p.Arg1119Cys). This variant is present in population databases (no rsID available, gnomAD 0.009%). This variant has not been reported in the literature in individuals affected with RPGRIP1L-related conditions. ClinVar contains an entry for this variant (Variation ID: 1326452). Algorithms developed to predict the effect of missense changes on protein structure and function output the following: SIFT: "Tolerated"; PolyPhen-2: "Benign"; Align-GVGD: "Class C0". The cysteine amino acid residue is found in multiple mammalian species, which suggests that this missense change does not adversely affect protein function. In summary, the available evidence is currently insufficient to determine the role of this variant in disease. Therefore, it has been classified as a Variant of Uncertain Significance.